The following is an entry in ClinVar:

NM_001009944.3(PKD1):c.10950delinsGTGG (p.His3650delinsGlnTrp)

Genes: PKD1 (polycystin 1, transient receptor potential channel interacting; minus strand), PKD1-AS1 (PKD1 antisense RNA 1; plus strand). Cytogenetic location: 16p13.3.
Variant type: Indel.
Coding change: c.10950delinsGTGG on transcript NM_001009944.3 (MANE Select); coding-DNA position 10950, C replaced by GTGG.
Protein change: p.His3650delinsGlnTrp.
Molecular consequence: inframe indel.
Genome position (GRCh38, 1-based): chr16:2,093,610, G replaced by CCAC on the plus strand (C replaced by GTGG on the coding strand, the reverse complement: PKD1 is on the minus strand). VCF-style: chr16-2093610-G-CCAC. GRCh37 (hg19) VCF-style: chr16-2143611-G-CCAC.
Other names: c.10947delinsGTGG, p.His3649delinsGlnTrp (NM_000296.4); c.10950delCinsGTGG, p.His3650delinsGlnTrp (NM_001009944.2).
Identifiers: ClinVar variation 3346839 (VCV003346839.1).

ClinVar aggregate classification (germline): Uncertain significance (0 of 4 stars; one submission).

Conditions:
PKD1-related disorder. Also called: PKD1-related condition.

Submission:

PreventionGenetics, part of Exact Sciences
Classification: Uncertain significance for PKD1-related condition. Last evaluated: 2024-07-02. Review status: no assertion criteria provided. Collection method: clinical testing. Allele origin: germline.
Comment: The PKD1 c.10950delinsGTGG variant is predicted to result in an in-frame deletion and insertion. To our knowledge, this variant has not been reported in the literature or in a large population database, indicating this variant is rare. At this time, the clinical significance of this variant is uncertain due to the absence of conclusive functional and genetic evidence.